The following is an entry in ClinVar:

NM_000748.3(CHRNB2):c.346G>C (p.Asp116His)

Gene: CHRNB2 (cholinergic receptor nicotinic beta 2 subunit; plus strand). Cytogenetic location: 1q21.3.
Variant type: single nucleotide variant.
Coding change: c.346G>C on transcript NM_000748.3 (MANE Select); coding-DNA position 346, G replaced by C.
Protein change: p.Asp116His; replaces aspartic acid 116 with histidine.
Molecular consequence: missense variant.
Genome position (GRCh38, 1-based): chr1:154,570,348, G>C. VCF-style: chr1-154570348-G-C. GRCh37 (hg19) VCF-style: chr1-154542824-G-C.
Other names: short protein forms D116H.
Identifiers: ClinVar variation 3364074 (VCV003364074.1).
Genomic context (GRCh38, chr1:154,570,348, plus strand): 5'-CCTGAAGAGTTTGACAACATGAAGAAAGTTCGGCTCCCTTCCAAACACATCTGGCTCCCA[G>C]ATGTGGTCCTGTACAACAAGTAGGTGCAATGGGAAGGTTGGGGGAGACCATTGGAGGGCT-3'
Protein context (NP_000739.1, residues 106-126): RLPSKHIWLP[Asp116His]VVLYNNADGM

ClinVar aggregate classification (germline): Uncertain significance (1 of 4 stars; one submission).

Submission:

GeneDx
Classification: Uncertain significance. Last evaluated: 2023-11-14. Review status: criteria provided, single submitter. Criteria: GeneDx Variant Classification Process June 2021. Collection method: clinical testing. Allele origin: germline. Affected: yes.
Comment: Not observed at significant frequency in large population cohorts (gnomAD); In silico analysis supports that this missense variant has a deleterious effect on protein structure/function; Has not been previously published as pathogenic or benign to our knowledge